The following is an entry in ClinVar:

NM_001083926.2(ASRGL1):c.214A>G (p.Asn72Asp)

Gene: ASRGL1 (asparaginase and isoaspartyl peptidase 1; plus strand). Cytogenetic location: 11q12.3.
Variant type: single nucleotide variant.
Coding change: c.214A>G on transcript NM_001083926.2 (MANE Select); coding-DNA position 214, A replaced by G.
Protein change: p.Asn72Asp; replaces asparagine 72 with aspartic acid.
Molecular consequence: missense variant.
Genome position (GRCh38, 1-based): chr11:62,356,348, A>G. VCF-style: chr11-62356348-A-G. GRCh37 (hg19) VCF-style: chr11-62123820-A-G.
Other names: c.214A>G, p.Asn72Asp (NM_025080.4); short protein forms N72D.
Identifiers: ClinVar variation 2116287 (VCV002116287.4), dbSNP rs2495207725, ClinGen allele CA380865113.

ClinVar aggregate classification (germline): Uncertain significance (1 of 4 stars; one submission).

Submission:

Labcorp Genetics (formerly Invitae), Labcorp
Classification: Uncertain significance. Last evaluated: 2022-08-09. Review status: criteria provided, single submitter. Criteria: Invitae Variant Classification Sherloc (09022015). Collection method: clinical testing. Allele origin: germline.
Comment: This variant is not present in population databases (gnomAD no frequency). This sequence change replaces asparagine, which is neutral and polar, with aspartic acid, which is acidic and polar, at codon 72 of the ASRGL1 protein (p.Asn72Asp). This variant has not been reported in the literature in individuals affected with ASRGL1-related conditions. Algorithms developed to predict the effect of missense changes on protein structure and function output the following: SIFT: "Tolerated"; PolyPhen-2: "Benign"; Align-GVGD: "Class C0". The aspartic acid amino acid residue is found in multiple mammalian species, which suggests that this missense change does not adversely affect protein function. In summary, the available evidence is currently insufficient to determine the role of this variant in disease. Therefore, it has been classified as a Variant of Uncertain Significance.